The following is an entry in ClinVar:

NM_001242896.3(DEPDC5):c.4478A>T (p.Asn1493Ile)

Gene: DEPDC5 (DEP domain containing 5, GATOR1 subcomplex subunit; plus strand). Cytogenetic location: 22q12.3.
Variant type: single nucleotide variant.
Coding change: c.4478A>T on transcript NM_001242896.3 (MANE Select); coding-DNA position 4478, A replaced by T.
Protein change: p.Asn1493Ile; replaces asparagine 1493 with isoleucine.
Molecular consequence: missense variant. On other transcripts: non-coding transcript variant (5).
Genome position (GRCh38, 1-based): chr22:31,906,025, A>T. VCF-style: chr22-31906025-A-T. GRCh37 (hg19) VCF-style: chr22-32302011-A-T.
Other names: c.4451A>T, p.Asn1484Ile (NM_001136029.4); c.4178A>T, p.Asn1393Ile (NM_001242897.2); c.4412A>T, p.Asn1471Ile (NM_001363852.2, NM_001364320.2); c.4244A>T, p.Asn1415Ile (NM_001363854.2, NM_001364319.2); c.4478A>T, p.Asn1493Ile (NM_001364318.2); c.4394A>T, p.Asn1465Ile (NM_001369901.1, NM_001369902.1); c.4385A>T, p.Asn1462Ile (NM_001369903.1, NM_014662.6); short protein forms N1393I, N1415I, N1462I, N1465I, N1471I, N1484I, N1493I.
Identifiers: ClinVar variation 1302578 (VCV001302578.2), dbSNP rs1342787932, ClinGen allele CA411291742.

ClinVar aggregate classification (germline): Uncertain significance (1 of 4 stars; one submission).

Submission:

GeneDx
Classification: Uncertain significance. Last evaluated: 2019-10-08. Review status: criteria provided, single submitter. Criteria: GeneDx Variant Classification Process June 2021. Collection method: clinical testing. Allele origin: germline. Affected: yes.
Comment: Not observed in large population cohorts (Lek et al., 2016); In silico analysis, which includes protein predictors and evolutionary conservation, supports that this variant does not alter protein structure/function; Has not been previously published as pathogenic or benign to our knowledge